The following is an entry in ClinVar:

ClinVar aggregate classification (germline): Pathogenic. Review status: criteria provided, multiple submitters, no conflicts (2 of 4 stars). 3 submissions from 3 submitters: Pathogenic (3). Last evaluated 2025-06-12.

Conditions:
Hereditary cancer-predisposing syndrome. Also called: Neoplastic Syndromes, Hereditary; Tumor predisposition; Hereditary neoplastic syndrome; Hereditary Cancer Syndrome. Identifiers: Orphanet 140162, MedGen C0027672, MeSH D009386, MONDO:0015356.
Hereditary breast ovarian cancer syndrome. Also called: Hereditary breast and ovarian cancer syndrome; Hereditary breast and ovarian cancer; Hereditary breast and ovarian cancer syndrome (HBOC); Breast and ovarian cancer; Hereditary breast and/or ovarian cancer syndrome; BRCA1- and BRCA2-Associated Hereditary Breast and Ovarian Cancer. Identifiers: Orphanet 145, MedGen C0677776, MeSH D061325, MONDO:0003582. Disease mechanism: loss of function.

Submissions (3):

Labcorp Genetics (formerly Invitae), Labcorp
Classification: Pathogenic for Hereditary breast ovarian cancer syndrome. Last evaluated: 2025-06-12. Review status: criteria provided, single submitter. Criteria: Invitae Variant Classification Sherloc (09022015). Collection method: clinical testing. Allele origin: germline.
Comment: This sequence change creates a premature translational stop signal (p.Leu1294Thrfs*3) in the BRCA2 gene. It is expected to result in an absent or disrupted protein product. Loss-of-function variants in BRCA2 are known to be pathogenic (PMID: 20104584). This variant is not present in population databases (gnomAD no frequency). This variant has not been reported in the literature in individuals affected with BRCA2-related conditions. ClinVar contains an entry for this variant (Variation ID: 629211). For these reasons, this variant has been classified as Pathogenic.

Ambry Genetics
Classification: Pathogenic for Hereditary cancer-predisposing syndrome. Last evaluated: 2025-03-27. Review status: criteria provided, single submitter. Criteria: Ambry Variant Classification Scheme 2023. Collection method: clinical testing. Allele origin: germline.
Comment: The c.3879_3880delAT pathogenic mutation, located in coding exon 10 of the BRCA2 gene, results from a deletion of two nucleotides at nucleotide positions 3879 to 3880, causing a translational frameshift with a predicted alternate stop codon (p.L1294Tfs*3). This alteration was reported in a cohort of Brazilian BRCA1/2 mutation carriers (Palmero EI et al. Sci Rep. 2018 Jun;8:9188). This alteration is expected to result in loss of function by premature protein truncation or nonsense-mediated mRNA decay. As such, this alteration is interpreted as a disease-causing mutation.

Color Diagnostics, LLC DBA Color Health
Classification: Pathogenic for Hereditary cancer-predisposing syndrome. Last evaluated: 2020-01-15. Review status: criteria provided, single submitter. Criteria: ACMG Guidelines, 2015. Collection method: clinical testing. Allele origin: germline.
Comment: This variant deletes 2 nucleotides in exon 11 of the BRCA2 gene, creating a frameshift and premature translation stop signal. This variant is expected to result in an absent or non-functional protein product. This variant has not been identified in the general population by the Genome Aggregation Database (gnomAD). Loss of BRCA2 function is a known mechanism of disease. Based on the available evidence, this variant is classified as Pathogenic.

Literature cited by the submitters: PubMed 20104584 (cited by Labcorp Genetics (formerly Invitae), Labcorp); PubMed 29907814 (cited by Ambry Genetics).

NM_000059.4(BRCA2):c.3879_3880del (p.Leu1294fs)

Gene: BRCA2 (BRCA2 DNA repair associated; plus strand). Cytogenetic location: 13q13.1.
Variant type: Microsatellite.
Coding change: c.3879_3880del on transcript NM_000059.4 (MANE Select); coding-DNA positions 3879 to 3880, 2 bases deleted (AT; older notation c.3879_3880delAT).
Protein change: p.Leu1294fs; shifts the reading frame from leucine 1294.
Molecular consequence: frameshift variant.
Genome position (GRCh38, 1-based): chr13:32,338,234-32,338,235, AT deleted; deleting any 2 consecutive bases within chr13:32,338,232-32,338,235 gives the same sequence; the c. name uses the placement nearest the transcript's 3' end. VCF-style (leftmost placement, unchanged base first): chr13-32338231-GAT-G. GRCh37 (hg19) VCF-style: chr13-32912368-GAT-G.
Other names: c.3879_3880del (NM_000059.3); short protein forms L1294fs.
Identifiers: ClinVar variation 629211 (VCV000629211.12), dbSNP rs1593900808, ClinGen allele CA913188541.